The following is an entry in ClinVar:

ClinVar aggregate classification (germline): Pathogenic/Likely pathogenic. Review status: criteria provided, multiple submitters, no conflicts (2 of 4 stars). 4 submissions from 4 submitters: Pathogenic (1); Likely pathogenic (3). Last evaluated 2025-09-05.

Conditions:
WFS1-related disorder. Identifiers: MedGen CN379391, MONDO:0700293.
Autosomal dominant nonsyndromic hearing loss 6 (LFSNHL). Also called: Autosomal dominant nonsyndromic deafness 6; DEAFNESS, AUTOSOMAL DOMINANT 6; DEAFNESS, AUTOSOMAL DOMINANT 14; DEAFNESS, AUTOSOMAL DOMINANT 38. Identifiers: Orphanet 90635, MedGen C1833021, MONDO:0010963, OMIM 600965.
Type 2 diabetes mellitus. Also called: Type II diabetes mellitus. Identifiers: MedGen C0011860, MeSH D003924, MONDO:0005148, OMIM 125853, HP:0005978.
Wolfram-like syndrome. Also called: HEARING LOSS, PROGRESSIVE, WITH OPTIC ATROPHY AND/OR IMPAIRED GLUCOSE REGULATION. Identifiers: Orphanet 411590, MedGen C3280358, MONDO:0013673, OMIM 614296.
Cataract 41 (CTRCT41). Also called: CATARACT 41, CONGENITAL NUCLEAR TYPE. Identifiers: Orphanet 91492, Orphanet 98991, Orphanet 98992, Orphanet 98995, MedGen C3805412, MONDO:0007287, OMIM 116400.
Wolfram syndrome 1 (WFS1). Identifiers: Orphanet 3463, MedGen C4551693, MONDO:0009101, OMIM 222300.

Submissions (4):

PreventionGenetics, part of Exact Sciences
Classification: Likely pathogenic for WFS1-related condition. Last evaluated: 2025-09-05. Review status: criteria provided, single submitter. Criteria: ACMG Guidelines, 2015. Collection method: clinical testing. Allele origin: germline.
Comment: The WFS1 c.911_914dupTTGA variant is predicted to result in premature protein termination (p.Met306*). This variant has been reported in an individual with autosomal recessive Wolfram syndrome (Astuti et al. 2017. PubMed ID: 28432734). This variant is reported in 0.00088% of alleles in individuals of European (Non-Finnish) descent in gnomAD. Nonsense variants in WFS1 are expected to be pathogenic. This variant is interpreted as likely pathogenic.

Fulgent Genetics
Classification: Likely pathogenic for Cataract 41; Type 2 diabetes mellitus; Wolfram syndrome 1; Autosomal dominant nonsyndromic hearing loss 6; Wolfram-like syndrome. Last evaluated: 2024-05-01. Review status: criteria provided, single submitter. Criteria: ACMG Guidelines, 2015. Collection method: clinical testing. Allele origin: germline.

Labcorp Genetics (formerly Invitae), Labcorp
Classification: Pathogenic. Last evaluated: 2023-06-23. Review status: criteria provided, single submitter. Criteria: Invitae Variant Classification Sherloc (09022015). Collection method: clinical testing. Allele origin: germline.
Comment: This sequence change creates a premature translational stop signal (p.Met306*) in the WFS1 gene. While this is not anticipated to result in nonsense mediated decay, it is expected to disrupt the last 585 amino acid(s) of the WFS1 protein. For these reasons, this variant has been classified as Pathogenic. This variant disrupts a region of the WFS1 protein in which other variant(s) (p.Pro885Leu) have been determined to be pathogenic (PMID: 10521293, 16806192, 28432734). This suggests that this is a clinically significant region of the protein, and that variants that disrupt it are likely to be disease-causing. ClinVar contains an entry for this variant (Variation ID: 215405). This premature translational stop signal has been observed in individual(s) with Wolfram syndrome (PMID: 28432734). This variant is present in population databases (no rsID available, gnomAD 0.0009%).

GeneDx
Classification: Likely pathogenic. Last evaluated: 2018-09-14. Review status: criteria provided, single submitter. Criteria: GeneDx Variant Classification (06012015). Collection method: clinical testing. Allele origin: germline. Affected: yes.
Comment: The c.911_914dupTTGA variant in the WFS1 gene has been reported previously in an individual with Wolfram syndrome who also harbored a nonsense variant; however, it is unclear if parental studies were performed to determine the phase of these two variants (Astuti et al., 2017). The c.911_914dupTTGA variant causes a frameshift which changes Methionine 306 to a premature Stop codon at position 306 of the new reading frame, denoted p.Met306Ter. This variant is predicted to cause loss of normal protein function either through protein truncation where the last 585 amino acids are lost. The c.911_914dupTTGA variant is not observed at a significant frequency in large population cohorts (Lek et al., 2016). We interpret c.911_914dupTTGA as a likely pathogenic variant.

Literature cited by the submitters: PubMed 10521293 (cited by Labcorp Genetics (formerly Invitae), Labcorp); PubMed 16806192 (cited by Labcorp Genetics (formerly Invitae), Labcorp); PubMed 28432734 (cited by Labcorp Genetics (formerly Invitae), Labcorp).

NM_006005.3(WFS1):c.911_914dup (p.Asp305_Met306insTer)

Gene: WFS1 (wolframin ER transmembrane glycoprotein; plus strand). Cytogenetic location: 4p16.1.
Variant type: Duplication.
Coding change: c.911_914dup on transcript NM_006005.3 (MANE Select); coding-DNA positions 911 to 914, 4 bases duplicated (TTGA; older notation c.911_914dupTTGA).
Protein change: p.Asp305_Met306insTer.
Molecular consequence: nonsense, inframe insertion.
Genome position (GRCh38, 1-based): chr4:6,300,706-6,300,709, TTGA duplicated; duplicating any 4 consecutive bases within chr4:6,300,703-6,300,709 gives the same sequence; the c. name uses the placement nearest the transcript's 3' end. VCF-style (leftmost placement, unchanged base first): chr4-6300702-C-CTGAT. GRCh37 (hg19) VCF-style: chr4-6302429-C-CTGAT.
Other names: c.911_914dupTTGA (NM_006005.3); c.911_914dup, p.Asp305_Met306insTer (NM_001145853.1).
Identifiers: ClinVar variation 215405 (VCV000215405.13), dbSNP rs863224264, ClinGen allele CA322068.